The following is an entry in ClinVar:

ClinVar aggregate classification (germline): Uncertain significance (1 of 4 stars; one submission).

Submission:

Labcorp Genetics (formerly Invitae), Labcorp
Classification: Uncertain significance. Last evaluated: 2023-07-17. Review status: criteria provided, single submitter. Criteria: Invitae Variant Classification Sherloc (09022015). Collection method: clinical testing. Allele origin: germline.
Comment: ClinVar contains an entry for this variant (Variation ID: 2068856). This sequence change replaces aspartic acid, which is acidic and polar, with asparagine, which is neutral and polar, at codon 776 of the USP7 protein (p.Asp776Asn). This variant is not present in population databases (gnomAD no frequency). This variant has not been reported in the literature in individuals affected with USP7-related conditions. An algorithm developed to predict the effect of missense changes on protein structure and function (PolyPhen-2) suggests that this variant is likely to be tolerated. In summary, the available evidence is currently insufficient to determine the role of this variant in disease. Therefore, it has been classified as a Variant of Uncertain Significance.

NM_003470.3(USP7):c.2326G>A (p.Asp776Asn)

Gene: USP7 (ubiquitin specific peptidase 7; minus strand). Cytogenetic location: 16p13.2.
Variant type: single nucleotide variant.
Coding change: c.2326G>A on transcript NM_003470.3 (MANE Select); coding-DNA position 2326, G replaced by A.
Protein change: p.Asp776Asn; replaces aspartic acid 776 with asparagine.
Molecular consequence: missense variant. On other transcripts: non-coding transcript variant (1).
Genome position (GRCh38, 1-based): chr16:8,899,741, C>T on the plus strand (G>A on the coding strand, the complement: USP7 is on the minus strand). VCF-style: chr16-8899741-C-T. GRCh37 (hg19) VCF-style: chr16-8993598-C-T.
Other names: c.2278G>A, p.Asp760Asn (NM_001286457.2); c.2029G>A, p.Asp677Asn (NM_001286458.2); c.2152G>A, p.Asp718Asn (NM_001321858.2); short protein forms D677N, D718N, D760N, D776N.
Identifiers: ClinVar variation 2068856 (VCV002068856.4), dbSNP rs2549220991, ClinGen allele CA394699059.